The following is an entry in ClinVar:

NM_021008.4(DEAF1):c.671G>A (p.Arg224Gln)

Gene: DEAF1 (DEAF1 transcription factor; minus strand). Cytogenetic location: 11p15.5.
Variant type: single nucleotide variant.
Coding change: c.671G>A on transcript NM_021008.4 (MANE Select); coding-DNA position 671, G replaced by A.
Protein change: p.Arg224Gln; replaces arginine 224 with glutamine.
Molecular consequence: missense variant. On other transcripts: 5 prime UTR variant (4), intron variant (1).
Genome position (GRCh38, 1-based): chr11:686,991, C>T on the plus strand (G>A on the coding strand, the complement: DEAF1 is on the minus strand). VCF-style: chr11-686991-C-T. GRCh37 (hg19) VCF-style: chr11-686991-C-T.
Other names: c.-56G>A (NM_001367390.1, NM_001440885.1, NM_001440886.1 and 1 more transcripts); c.671G>A, p.Arg224Gln (NM_001440883.1, NM_001440884.1); c.664+920G>A (NM_001293634.2); short protein forms R224Q.
Identifiers: ClinVar variation 915957 (VCV000915957.11), dbSNP rs1415420832, ClinGen allele CA378932923.
Genomic context (GRCh38, chr11:686,991, plus strand): 5'-GCCATGGCCTCAAACTCGGTGGGACTGTACCAGTTCTCCCCCTGCTTGATGCACCGTCCC[C>T]GGCCGCCTGCAAGGAAGGGCAGCAGTCATGATGATGGCAGGTGGGAACGTCACCTCTGCC-3'
Protein context (NP_066288.2, residues 214-234): LYKNRLGSGG[Arg224Gln]GRCIKQGENW

ClinVar aggregate classification (germline): Conflicting classifications of pathogenicity. Review status: criteria provided, conflicting classifications (1 of 4 stars). 5 submissions from 5 submitters: Likely pathogenic (2); Uncertain significance (1). 2 of the submissions do not count toward it. Last evaluated 2026-08-25.

Conditions:
Intellectual disability-epilepsy-extrapyramidal syndrome (NEDHELS). Also called: Dyskinesia, seizures, and intellectual developmental disorder. Identifiers: Orphanet 468620, MedGen C4310683, MONDO:0014952, OMIM 617171.
DEAF1-related disorder.
Autism spectrum disorder. Also called: Autism spectrum disorders. Identifiers: MedGen C1510586, MeSH D000067877, MONDO:0005258.

Allele frequency attached by ClinVar (database versions not stated): gnomAD 0.00001; gnomAD exomes below 0.00001.
gnomAD v4.1: 6 of 1,614,082 alleles (0.00037%); highest among the groups gnomAD compares: Admixed American, 0.0017%; no homozygotes.

Submissions (5):

GeneDx
Classification: Likely pathogenic. Last evaluated: 2026-08-25. Review status: criteria provided, single submitter. Criteria: GeneDx Variant Classification Process June 2021. Collection method: clinical testing. Allele origin: germline.
Comment: Observed in patient with severe intellectual disability and autism; however, the variant was inherited from an unaffected parent (PMID: 32094338); In silico analysis supports that this missense variant has a deleterious effect on protein structure/function; This variant is associated with the following publications: (PMID: 30923367, 32094338, 33705764, 24726472, 33057194, 35982159, 39172073)

Labcorp Genetics (formerly Invitae), Labcorp
Classification: Uncertain significance. Last evaluated: 2025-10-02. Review status: criteria provided, single submitter. Criteria: Invitae Variant Classification Sherloc (09022015). Collection method: clinical testing. Allele origin: germline.
Comment: This sequence change replaces arginine, which is basic and polar, with glutamine, which is neutral and polar, at codon 224 of the DEAF1 protein (p.Arg224Gln). This variant is present in population databases (no rsID available, gnomAD 0.003%). This missense change has been observed in individual(s) with autism and/or developmental delay and/or autosomal recessive DEAF1-related conditions (PMID: 30923367, 33057194, 35982159). It has also been observed to segregate with disease in related individuals. This variant has been reported in individual(s) with autosomal dominant DEAF1-related conditions (PMID: 32094338; internal data); however, the role of the variant in this condition is currently unclear. This variant is also known as 11:686991C>T. ClinVar contains an entry for this variant (Variation ID: 915957). Invitae Evidence Modeling of protein sequence and biophysical properties (such as structural, functional, and spatial information, amino acid conservation, physicochemical variation, residue mobility, and thermodynamic stability) has been performed for this missense variant. However, the output from this modeling did not meet the statistical confidence thresholds required to predict the impact of this variant on DEAF1 protein function. Experimental studies are conflicting or provide insufficient evidence to determine the effect of this variant on DEAF1 function (PMID: 30923367). In summary, the available evidence is currently insufficient to determine the role of this variant in disease. Therefore, it has been classified as a Variant of Uncertain Significance.

Department of Genetics, Rouen University Hospital, Normandy Center for Genomic and Personalized Medicine
Classification: Likely pathogenic for Autism spectrum disorder. Review status: criteria provided, single submitter. Criteria: ACMG Guidelines, 2015. Collection method: clinical testing. Allele origin: maternal. Affected: yes.

PreventionGenetics, part of Exact Sciences
Classification: Likely pathogenic for DEAF1-related condition. Last evaluated: 2024-06-17. Review status: no assertion criteria provided. Collection method: clinical testing. Allele origin: germline. Not counted in ClinVar's aggregate classification.
Comment: The DEAF1 c.671G>A variant is predicted to result in the amino acid substitution p.Arg224Gln. This variant has been reported in the homozygous state in a pair of siblings with severe intellectual disability and developmental regression (Nabais Sá et al. 2019. PubMed ID: 30923367). It has also been reported de novo in an individual with an unspecified developmental disorder (Kaplanis et al. 2020. PubMed ID: 33057194) and as a maternally inherited heterozygous variant in an individual with autism spectrum disorder (Husson et al. 2020. PubMed ID: 32094338). This variant is reported in 0.0029% of alleles in individuals of Latino descent in gnomAD. Of note, two additional missense variants affecting the same amino acid residue (p.Arg224Trp, p.Arg224Gly) have been reported de novo in individuals with DEAF1-associated neurodevelopmental disorders (Vulto-van Silfhout et al. 2014. PubMed ID: 24726472; Liu et al. 2016. PubMed ID: 32959227; Chen et al. 2021. PubMed ID: 33705764). Taken together, the p.Arg224Gln variant is interpreted as likely pathogenic.

OMIM
Classification: Pathogenic for NEURODEVELOPMENTAL DISORDER WITH HYPOTONIA, IMPAIRED EXPRESSIVE LANGUAGE, AND SEIZURES. Last evaluated: 2020-06-01. Review status: no assertion criteria provided. Collection method: literature only. Allele origin: germline. Not counted in ClinVar's aggregate classification.

Literature cited by the submitters: PubMed 30923367 (cited by Labcorp Genetics (formerly Invitae), Labcorp and OMIM); PubMed 33057194 (cited by Labcorp Genetics (formerly Invitae), Labcorp); PubMed 35982159 (cited by Labcorp Genetics (formerly Invitae), Labcorp); PubMed 32094338 (cited by Labcorp Genetics (formerly Invitae), Labcorp).